The following is an entry in ClinVar:

NM_001048174.2(MUTYH):c.755A>G (p.Gln252Arg)

Gene: MUTYH (mutY DNA glycosylase; minus strand). Cytogenetic location: 1p34.1.
Variant type: single nucleotide variant.
Coding change: c.755A>G on transcript NM_001048174.2 (MANE Select); coding-DNA position 755, A replaced by G.
Protein change: p.Gln252Arg; replaces glutamine 252 with arginine.
Molecular consequence: missense variant. On other transcripts: non-coding transcript variant (7).
Genome position (GRCh38, 1-based): chr1:45,332,260, T>C on the plus strand (A>G on the coding strand, the complement: MUTYH is on the minus strand). VCF-style: chr1-45332260-T-C. GRCh37 (hg19) VCF-style: chr1-45797932-T-C.
Other names: c.755A>G, p.Gln252Arg (NM_001048173.2, NM_001293195.2, NM_001407070.1 and 6 more transcripts); c.839A>G, p.Gln280Arg (NM_001128425.2); c.800A>G, p.Gln267Arg (NM_001293190.2); c.788A>G, p.Gln263Arg (NM_001293191.2, NM_001407069.1, NM_001407077.1); c.479A>G, p.Gln160Arg (NM_001293192.2, NM_001293196.2, NM_001407091.1); c.410A>G, p.Gln137Arg (NM_001350650.2, NM_001350651.2, NM_001407082.1); c.758A>G, p.Gln253Arg (NM_001407071.1, NM_001407078.1, NM_001407086.1 and 1 more transcripts); c.671A>G, p.Gln224Arg (NM_001407075.1); and 5 more; short protein forms Q239R, Q259R, Q266R, Q224R, Q280R, Q160R, Q238R, Q252R.
Identifiers: ClinVar variation 3400146 (VCV003400146.2).

ClinVar aggregate classification (germline): Likely pathogenic (1 of 4 stars; one submission).

Conditions:
Hereditary cancer-predisposing syndrome. Also called: Hereditary Cancer Syndrome; Tumor predisposition; Hereditary neoplastic syndrome; Neoplastic Syndromes, Hereditary. Identifiers: Orphanet 140162, MedGen C0027672, MeSH D009386, MONDO:0015356.

Submission:

Ambry Genetics
Classification: Likely pathogenic for Hereditary cancer-predisposing syndrome. Last evaluated: 2025-08-15. Review status: criteria provided, single submitter. Criteria: Ambry Variant Classification Scheme 2023. Collection method: clinical testing. Allele origin: germline.
Comment: The p.Q280R variant (also known as c.839A>G), located in coding exon 10 of the MUTYH gene, results from an A to G substitution at nucleotide position 839. The glutamine at codon 280 is replaced by arginine, an amino acid with highly similar properties. In a massively parallel cell-based functional assay testing 7,8-dihydro-8- oxoguanine:adenine (8OG:A) repair activity, a byproduct of oxidative damage, this variant was reported to be non-functional (Hemker SL et al. Am J Hum Genet. Published online July 29, 2025. DOI: 10.1016/j.ajhg.2025.07.005). This amino acid position is highly conserved in available vertebrate species. In addition, this alteration is predicted to be deleterious by in silico analysis. This variant is considered to be rare based on population cohorts in the Genome Aggregation Database (gnomAD). Based on the majority of available evidence to date, this variant is likely to be pathogenic.

Literature cited by the submitters: PubMed 40738107.